The following is an entry in ClinVar:

NM_000388.4(CASR):c.354C>G (p.Asn118Lys)

Gene: CASR (calcium sensing receptor; plus strand). Cytogenetic location: 3q21.1.
Variant type: single nucleotide variant.
Coding change: c.354C>G on transcript NM_000388.4 (MANE Select); coding-DNA position 354, C replaced by G.
Protein change: p.Asn118Lys; replaces asparagine 118 with lysine.
Molecular consequence: missense variant.
Genome position (GRCh38, 1-based): chr3:122,257,249, C>G. VCF-style: chr3-122257249-C-G. GRCh37 (hg19) VCF-style: chr3-121976096-C-G.
Other names: c.354C>G, p.Asn118Lys (NM_001178065.2); short protein forms N118K.
Identifiers: ClinVar variation 2630404 (VCV002630404.1), dbSNP rs104893695, ClinGen allele CA354362715.

ClinVar aggregate classification (germline): Likely pathogenic (1 of 4 stars; one submission).

Conditions:
CASR-related disorder. Also called: CASR-related condition.

Submission:

PreventionGenetics, part of Exact Sciences
Classification: Likely pathogenic for CASR-related condition. Last evaluated: 2023-03-02. Review status: criteria provided, single submitter. Criteria: ACMG Guidelines, 2015. Collection method: clinical testing. Allele origin: germline.
Comment: The CASR c.354C>G variant is predicted to result in the amino acid substitution p.Asn118Lys. To our knowledge, this variant has not been reported in the literature or in a large population database, indicating this variant is rare. A different variant (c.354C>A) that causes the same amino acid substitution has been reported in individuals with hypocalcemia with hypercalciuria, and in one case it was reported as arising de novo (Pearce et al. 1996. PubMed ID: 8813042; De Luca et al. 1997. PubMed ID: 9253358). Functional studies using protein expression in cell culture found that the p.Asn118Lys substitution causes an increase in protein activity, indicating a gain of function mechanism (De Luca et al. 1997. PubMed ID: 9253358). This variant is interpreted as likely pathogenic.